The following is an entry in ClinVar:

NM_001035.3(RYR2):c.10230T>C (p.His3410=)

Gene: RYR2 (ryanodine receptor 2; plus strand). Cytogenetic location: 1q43.
Variant type: single nucleotide variant.
Coding change: c.10230T>C on transcript NM_001035.3 (MANE Select); coding-DNA position 10230, T replaced by C.
Protein change: p.His3410=; no amino-acid change (histidine 3410 retained).
Molecular consequence: synonymous variant.
Genome position (GRCh38, 1-based): chr1:237,709,567, T>C. VCF-style: chr1-237709567-T-C. GRCh37 (hg19) VCF-style: chr1-237872867-T-C.
Other names: c.10230T>C, p.His3410= (LRG_402t1).
Identifiers: ClinVar variation 496086 (VCV000496086.14), dbSNP rs370078129, ClinGen allele CA084240.

ClinVar aggregate classification (germline): Uncertain significance. Review status: criteria provided, multiple submitters, no conflicts (2 of 4 stars). 3 submissions from 3 submitters: Uncertain significance (3). Last evaluated 2024-02-23.

Conditions:
Cardiovascular phenotype. Identifiers: MedGen CN230736.
Catecholaminergic polymorphic ventricular tachycardia 1. Also called: RYR2-Related Catecholaminergic Polymorphic Ventricular Tachycardia; VENTRICULAR TACHYCARDIA, CATECHOLAMINERGIC POLYMORPHIC, 1, WITH OR WITHOUT ATRIAL DYSFUNCTION AND/OR DILATED CARDIOMYOPATHY; VENTRICULAR TACHYCARDIA, STRESS-INDUCED POLYMORPHIC 1. Identifiers: Orphanet 3286, MedGen C1631597, MONDO:0011484, OMIM 604772.

Allele frequency attached by ClinVar (database versions not stated): ExAC 0.00001; gnomAD exomes 0.00001; ESP Exome Variant Server 0.00008.
gnomAD v4.1: 12 of 1,594,428 alleles (0.00075%); highest among the groups gnomAD compares: Non-Finnish European, 0.00094%; no homozygotes.

Submissions (3):

Labcorp Genetics (formerly Invitae), Labcorp
Classification: Uncertain significance for Catecholaminergic polymorphic ventricular tachycardia 1. Last evaluated: 2024-02-23. Review status: criteria provided, single submitter. Criteria: Invitae Variant Classification Sherloc (09022015). Collection method: clinical testing. Allele origin: germline.
Comment: This sequence change affects codon 3410 of the RYR2 mRNA. It is a 'silent' change, meaning that it does not change the encoded amino acid sequence of the RYR2 protein. It affects a nucleotide within the consensus splice site. The frequency data for this variant in the population databases is considered unreliable, as metrics indicate poor data quality at this position in the gnomAD database. This variant has not been reported in the literature in individuals affected with RYR2-related conditions. ClinVar contains an entry for this variant (Variation ID: 496086). Algorithms developed to predict the effect of sequence changes on RNA splicing suggest that this variant is not likely to affect RNA splicing. In summary, the available evidence is currently insufficient to determine the role of this variant in disease. Therefore, it has been classified as a Variant of Uncertain Significance.

Ambry Genetics
Classification: Uncertain significance for Cardiovascular phenotype. Last evaluated: 2022-08-17. Review status: criteria provided, single submitter. Criteria: Ambry Variant Classification Scheme 2023. Collection method: clinical testing. Allele origin: germline.
Comment: The c.10230T>C variant (also known as p.H3410H), located in coding exon 70 of the RYR2 gene, results from a T to C substitution at nucleotide position 10230. This nucleotide substitution does not change the at codon 3410. However, this change occurs in the last base pair of coding exon 70, which makes it likely to have some effect on normal mRNA splicing. This nucleotide position is poorly conserved in available vertebrate species. In silico splice site analysis predicts that this alteration will not have any significant effect on splicing. Since supporting evidence is limited at this time, the clinical significance of this alteration remains unclear.

Women's Health and Genetics/Laboratory Corporation of America, LabCorp
Classification: Uncertain significance. Last evaluated: 2016-01-08. Review status: criteria provided, single submitter. Criteria: LabCorp Variant Classification Summary - May 2015. Collection method: clinical testing. Allele origin: germline.
Comment: Variant summary: This c.10230T>C variant affects a non-conserved nucleotide at the last nucleotide of exon 70, resulting in synonymous amino acid change. Due to location of this variant, it is suspected/predicated to affect normal splicing. In line with this notion, Mutation Taster predicts the variant to be disease-causing and ESEfinder predicts that it may affect the binding to ESEs. However, 5/5 splice-site tools via Alamut predict that this variant does not affect normal splicing. These prediction results are not definitive and need to be confirmed by functional studies. This variant was found in 1/83064 chromosomes from large and broad populations from ExAC at a frequency of 0.000012, which does not exceed the maximal expected frequency of a pathogenic allele (0.000055) in this gene. To our knowledge, this variant has not been reported in affected individuals via publications and/or reputable databases/clinical laboratories, nor evaluated for functional impact by in vivo/vitro studies. Because of the absence of clinical information and the lack of functional studies, this variant has currently been classified as a variant of uncertain significance (VUS) until additional information becomes available.